The following is an entry in ClinVar:

NM_005228.5(EGFR):c.2809C>G (p.Pro937Ala)

Gene: EGFR (epidermal growth factor receptor; plus strand). Cytogenetic location: 7p11.2.
Variant type: single nucleotide variant.
Coding change: c.2809C>G on transcript NM_005228.5 (MANE Select); coding-DNA position 2809, C replaced by G.
Protein change: p.Pro937Ala; replaces proline 937 with alanine.
Molecular consequence: missense variant.
Genome position (GRCh38, 1-based): chr7:55,198,824, C>G. VCF-style: chr7-55198824-C-G. GRCh37 (hg19) VCF-style: chr7-55266517-C-G.
Other names: c.2674C>G, p.Pro892Ala (NM_001346897.2, NM_001346899.2); c.2809C>G, p.Pro937Ala (NM_001346898.2); c.2650C>G, p.Pro884Ala (NM_001346900.2); c.2008C>G, p.Pro670Ala (NM_001346941.2); short protein forms P892A, P937A, P670A, P884A.
Identifiers: ClinVar variation 2095529 (VCV002095529.4), dbSNP rs2128968847, ClinGen allele CA367581403.

ClinVar aggregate classification (germline): Uncertain significance (1 of 4 stars; one submission).

Conditions:
EGFR-related lung cancer (EGFR). Identifiers: MedGen CN130014.

Submission:

Labcorp Genetics (formerly Invitae), Labcorp
Classification: Uncertain significance for EGFR-related lung cancer. Last evaluated: 2024-02-26. Review status: criteria provided, single submitter. Criteria: Invitae Variant Classification Sherloc (09022015). Collection method: clinical testing. Allele origin: germline.
Comment: This sequence change replaces proline, which is neutral and non-polar, with alanine, which is neutral and non-polar, at codon 937 of the EGFR protein (p.Pro937Ala). This variant is not present in population databases (gnomAD no frequency). This variant has not been reported in the literature in individuals affected with EGFR-related conditions. ClinVar contains an entry for this variant (Variation ID: 2095529). Advanced modeling of protein sequence and biophysical properties (such as structural, functional, and spatial information, amino acid conservation, physicochemical variation, residue mobility, and thermodynamic stability) performed at Invitae indicates that this missense variant is not expected to disrupt EGFR protein function with a negative predictive value of 80%. In summary, the available evidence is currently insufficient to determine the role of this variant in disease. Therefore, it has been classified as a Variant of Uncertain Significance.